The following is an entry in ClinVar:

ClinVar aggregate classification (germline): Benign. Review status: criteria provided, multiple submitters, no conflicts (2 of 4 stars). 3 submissions from 3 submitters: Benign (3). Last evaluated 2021-07-10.

Conditions:
Bilateral frontoparietal polymicrogyria. Also called: CORTICAL DYSPLASIA, COMPLEX, WITH OTHER BRAIN MALFORMATIONS 14A (BILATERAL FRONTOPARIETAL); CEREBELLAR ATAXIA WITH NEURONAL MIGRATION DEFECT. Identifiers: Orphanet 101070, MedGen C1847352, MONDO:0011738, OMIM 606854.

Allele frequency attached by ClinVar (database versions not stated): 1000 Genomes Project 30x 0.09791; 1000 Genomes Project 0.09884; TOPMed 0.15880; gnomAD 0.17306 and 0.17823; gnomAD exomes 0.20010.
gnomAD v4.1: 316,675 of 1,606,852 alleles (20%); highest among the groups gnomAD compares: Non-Finnish European, 22%; 33,963 homozygotes.

Submissions (3):

Genome-Nilou Lab
Classification: Benign for Bilateral frontoparietal polymicrogyria. Last evaluated: 2021-07-10. Review status: criteria provided, single submitter. Criteria: ACMG Guidelines, 2015. Collection method: clinical testing. Allele origin: germline. Affected: no.

GeneDx
Classification: Benign. Last evaluated: 2018-06-14. Review status: criteria provided, single submitter. Criteria: GeneDx Variant Classification (06012015). Collection method: clinical testing. Allele origin: germline. Affected: yes.
Comment: This variant is considered likely benign or benign based on one or more of the following criteria: it is a conservative change, it occurs at a poorly conserved position in the protein, it is predicted to be benign by multiple in silico algorithms, and/or has population frequency not consistent with disease.

Breakthrough Genomics
Classification: Benign. Review status: criteria provided, single submitter. Criteria: ACMG Guidelines, 2015. Collection method: not provided. Allele origin: germline. Inheritance: Autosomal recessive inheritance. Affected: yes.

NM_005682.7(ADGRG1):c.1287-60G>A

Gene: ADGRG1 (adhesion G protein-coupled receptor G1; plus strand). Cytogenetic location: 16q21.
Variant type: single nucleotide variant.
Coding change: c.1287-60G>A on transcript NM_005682.7; 60 bases into the intron before coding-DNA position 1287, G replaced by A.
Genome position (GRCh38, 1-based): chr16:57,659,335, G>A. VCF-style: chr16-57659335-G-A. GRCh37 (hg19) VCF-style: chr16-57693247-G-A.
Other names: c.1287-78G>A (NM_001370440.1, NM_001370436.1, NM_001370438.1 and 8 more transcripts); c.1287-60G>A (NM_001370428.1, NM_001370430.1, NM_001370431.1 and 3 more transcripts); c.777-60G>A (NM_001290142.2); c.762-78G>A (NM_001370451.1, NM_001370453.1, NM_001370454.1 and 1 more transcripts); c.762-60G>A (NM_001290143.2); c.1284-60G>A (NM_001370434.1); c.1131-78G>A (NM_001370442.1); c.1302-78G>A (NM_001370433.1, NM_001145773.3); and 1 more.
Identifiers: ClinVar variation 681781 (VCV000681781.5), dbSNP rs60907901, ClinGen allele CA14248057.